The following is an entry in ClinVar:

ClinVar aggregate classification (germline): Pathogenic (1 of 4 stars; one submission).

Conditions:
Chromosome 16p11.2 duplication syndrome. Identifiers: Orphanet 370079, MedGen C3553407, MONDO:0013847, OMIM 614671.

Submission:

Department of Prenatal Diagnosis, Henan Provincial People’s Hospital
Classification: Pathogenic for Chromosome 16p11.2 duplication syndrome. Last evaluated: 2026-11-25. Review status: criteria provided, single submitter. Criteria: ACMG/ClinGen CNV Guidelines, 2019. Collection method: research. Allele origin: germline, de novo. Affected: no. Observed: 2 variant alleles.
Comment: During the prenatal stage, a 520-kb heterozygous duplication (29640000-30160000) within the 16p11.2 region was identified in two fetuses. Based on the "ACMG/ClinGen CNV Guidelines" (2019, PMID: 31690835), this dupliaction encompasses the triplosensitive genomic region-16p11.2 recurrent region (proximal, BP4-BP5) (includes TBX6)，which satisfies the criteria for Evidence Type 2A and is assigned a score of 1. As a result, the observed copy number duplication in this case achieves a cumulative score of ≥0.99, classifying it as a pathogenic copy number variant.

Single allele

Genes: GDPD3 (glycerophosphodiester phosphodiesterase domain containing 3; minus strand), MAZ (MYC associated zinc finger protein; plus strand), MVP (major vault protein; plus strand), PAGR1 (PAXIP1 associated glutamate rich protein 1; plus strand), HIRIP3 (HIRA interacting protein 3; minus strand) and 21 more. Cytogenetic location: 16p11.2.
Variant type: Duplication.
Identifiers: ClinVar variation 5043557 (VCV005043557.1).